The following is an entry in ClinVar:

NM_001868.4(CPA1):c.541C>T (p.Arg181Trp)

Gene: CPA1 (carboxypeptidase A1; plus strand). Cytogenetic location: 7q32.2.
Variant type: single nucleotide variant.
Coding change: c.541C>T on transcript NM_001868.4 (MANE Select); coding-DNA position 541, C replaced by T.
Protein change: p.Arg181Trp; replaces arginine 181 with tryptophan.
Molecular consequence: missense variant.
Genome position (GRCh38, 1-based): chr7:130,383,448, C>T. VCF-style: chr7-130383448-C-T. GRCh37 (hg19) VCF-style: chr7-130023289-C-T.
Other names: short protein forms R181W.
Identifiers: ClinVar variation 1747426 (VCV001747426.7), dbSNP rs782248213, ClinGen allele CA4484832.

ClinVar aggregate classification (germline): Uncertain significance. Review status: criteria provided, multiple submitters, no conflicts (2 of 4 stars). 2 submissions from 2 submitters: Uncertain significance (2). Last evaluated 2025-11-10.

Conditions:
Hereditary pancreatitis (PCTT). Also called: Hereditary chronic pancreatitis; PRSS1-Related Hereditary Pancreatitis. Identifiers: Orphanet 676, MedGen C0238339, MONDO:0008185, OMIM 167800.

Allele frequency attached by ClinVar (database versions not stated): ExAC 0.00001; gnomAD exomes 0.00001; gnomAD 0.00002; TOPMed 0.00002.
gnomAD v4.1: 24 of 1,614,050 alleles (0.0015%); highest among the groups gnomAD compares: Non-Finnish European, 0.0019%; no homozygotes.

Submissions (2):

Ambry Genetics
Classification: Uncertain significance for Hereditary pancreatitis. Last evaluated: 2025-11-10. Review status: criteria provided, single submitter. Criteria: Ambry Variant Classification Scheme 2023. Collection method: clinical testing. Allele origin: germline.

Labcorp Genetics (formerly Invitae), Labcorp
Classification: Uncertain significance. Last evaluated: 2023-04-23. Review status: criteria provided, single submitter. Criteria: Invitae Variant Classification Sherloc (09022015). Collection method: clinical testing. Allele origin: germline.
Comment: This sequence change replaces arginine, which is basic and polar, with tryptophan, which is neutral and slightly polar, at codon 181 of the CPA1 protein (p.Arg181Trp). This variant is present in population databases (rs782248213, gnomAD 0.006%). This variant has not been reported in the literature in individuals affected with CPA1-related conditions. ClinVar contains an entry for this variant (Variation ID: 1747426). Advanced modeling of protein sequence and biophysical properties (such as structural, functional, and spatial information, amino acid conservation, physicochemical variation, residue mobility, and thermodynamic stability) performed at Invitae indicates that this missense variant is expected to disrupt CPA1 protein function. In summary, the available evidence is currently insufficient to determine the role of this variant in disease. Therefore, it has been classified as a Variant of Uncertain Significance.